The following is an entry in ClinVar:

ClinVar aggregate classification (germline): Likely pathogenic. Review status: reviewed by expert panel (3 of 4 stars). 2 submissions from 2 submitters: Likely pathogenic (1). 1 of the submissions does not count toward it. Last evaluated 2025-05-01.

Conditions:
Bernard Soulier syndrome (BSS). Also called: BLEEDING DISORDER, PLATELET-TYPE, 1; PLATELET GLYCOPROTEIN Ib DEFICIENCY; VON WILLEBRAND FACTOR RECEPTOR DEFICIENCY; Giant platelet syndrome; Hemorrhagiparous thrombocytic dystrophy; Giant platelet disease. Identifiers: Orphanet 274, MedGen C0005129, MeSH D001606, MONDO:0009276, OMIM 231200.

Submissions (2):

ClinGen Platelet Disorders Variant Curation Expert Panel, ClinGen
Classification: Likely pathogenic for Bernard Soulier syndrome. Last evaluated: 2025-05-01. Review status: reviewed by expert panel. Criteria: ClinGen Platelet ACMG Specifications GP1BA V1.0.0. Collection method: curation. Allele origin: germline. Inheritance: Autosomal recessive inheritance.
Comment: The c.584_586del (p.Leu195del) variant is predicted to cause a change in the length of the protein due to an in-frame deletion of one amino acid in a non-repeat region (PM4). At least one patient (Patient H.S. in PMID: 7873390) with this variant had aggregation absent for ristocetin and present for all other agonists. Flow cytometry assays found reduced surface expression of GP1BA on the proband's platelets and Western blot analysis found that GP1BA expression was absent in the patient. Additionally, the patient had excessive mucocutaneous bleeding and macrothrombocytopenia which are consistent with Bernard-Soulier syndrome (PP4). The variant has been reported to segregate in the proband plus 2 additional homozygous BSS affected siblings (PMID: 7873390, 2 points, PP1_Moderate). Surface expression of GP1a measured by flow cytometry in CHO cells transiently co-transfected with p.Leu195del variant GPIb-IX complexes and wild type GPIb-IX complexes showed decreased expression at 20% (<25%) WT levels, indicating that this variant impacts protein function (PMID: 10928479 )(PS3_supporting). This variant is absent from gnomAD v4.1.0 (PM2_Supporting). In summary, this variant meets the criteria to be classified as Likely Pathogenic for autosomal recessive Bernard-Soulier syndrome based on the ACMG/AMP criteria applied, as specified by the ClinGen PD VCEP: PS3_Supporting, PP1_Moderate, PM4, PP4, PM2_Supporting and PM3_Supporting (VCEP specifications version 1.0.0).

Labcorp Genetics (formerly Invitae), Labcorp
Classification: Likely pathogenic. Last evaluated: 2023-03-08. Review status: criteria provided, single submitter. Criteria: Invitae Variant Classification Sherloc (09022015). Collection method: clinical testing. Allele origin: germline. Not counted in ClinVar's aggregate classification.
Comment: Algorithms developed to predict the effect of variants on protein structure and function are not available or were not evaluated for this variant. This variant, c.584_586del, results in the deletion of 1 amino acid(s) of the GP1BA protein (p.Leu195del), but otherwise preserves the integrity of the reading frame. This variant is not present in population databases (gnomAD no frequency). This variant has been observed in individual(s) with Bernard-Soulier syndrome (PMID: 7873390). It has also been observed to segregate with disease in related individuals. This variant is also known as Leu179del. Experimental studies have shown that this variant affects GP1BA function (PMID: 10928479). In summary, the currently available evidence indicates that the variant is pathogenic, but additional data are needed to prove that conclusively. Therefore, this variant has been classified as Likely Pathogenic.

Literature cited by the submitters: PubMed 10928479 (cited by ClinGen Platelet Disorders Variant Curation Expert Panel, ClinGen and Labcorp Genetics (formerly Invitae), Labcorp); PubMed 7873390 (cited by Labcorp Genetics (formerly Invitae), Labcorp).

NM_000173.7(GP1BA):c.581TCC[1] (p.Leu195del)

Gene: GP1BA (glycoprotein Ib platelet subunit alpha; plus strand). Cytogenetic location: 17p13.2.
Variant type: Microsatellite.
Coding change: c.581TCC[1] on transcript NM_000173.7 (MANE Select); one copy of the 3-base unit TCC starting at c.581; the reference has two copies in a row; one copy, 3 bases deleted.
Protein change: p.Leu195del; deletes leucine 195.
Molecular consequence: inframe deletion.
Genome position (GRCh38, 1-based): chr17:4,933,188-4,933,190, TCC deleted; deleting any 3 consecutive bases within chr17:4,933,184-4,933,190 gives the same sequence; the position shown is the placement nearest the transcript's 3' end. VCF-style (leftmost placement, unchanged base first): chr17-4933183-TCTC-T. GRCh37 (hg19) VCF-style: chr17-4836478-TCTC-T.
Other names: NM_000173.7(GP1BA):c.581TCC[1]; p.Leu195del; short protein forms L195del.
Identifiers: ClinVar variation 2736404 (VCV002736404.4), dbSNP rs2507592636, ClinGen allele CA658820706.